The following is an entry in ClinVar:

NM_001844.5(COL2A1):c.3238G>C (p.Gly1080Arg)

Gene: COL2A1 (collagen type II alpha 1 chain; minus strand). Cytogenetic location: 12q13.11.
Variant type: single nucleotide variant.
Coding change: c.3238G>C on transcript NM_001844.5 (MANE Select); coding-DNA position 3238, G replaced by C.
Protein change: p.Gly1080Arg; replaces glycine 1080 with arginine.
Molecular consequence: missense variant.
Genome position (GRCh38, 1-based): chr12:47,977,355, C>G on the plus strand (G>C on the coding strand, the complement: COL2A1 is on the minus strand). VCF-style: chr12-47977355-C-G. GRCh37 (hg19) VCF-style: chr12-48371138-C-G.
Other names: c.3031G>C, p.Gly1011Arg (NM_033150.3); short protein forms G1011R, G1080R.
Identifiers: ClinVar variation 2439350 (VCV002439350.6), dbSNP rs2540107776, ClinGen allele CA384540190.

ClinVar aggregate classification (germline): Likely pathogenic. Review status: criteria provided, multiple submitters, no conflicts (2 of 4 stars). 3 submissions from 3 submitters: Likely pathogenic (3). Last evaluated 2026-04-07.

Conditions:
Spondyloepiphyseal dysplasia congenita (SEDC). Also called: SED CONGENITA; SPONDYLOEPIPHYSEAL DYSPLASIA, CONGENITAL TYPE. Identifiers: Orphanet 94068, MedGen C2745959, MONDO:0008471, OMIM 183900.

Submissions (3):

Clinical Genetics and Genomics, Karolinska University Hospital
Classification: Likely pathogenic for Spondyloepiphyseal dysplasia congenita. Last evaluated: 2026-04-07. Review status: criteria provided, single submitter. Criteria: ACMG Guidelines, 2015. Collection method: clinical testing. Allele origin: de novo. Affected: yes.
Comment: This variant disrupts the triple helix domain of COL2A1. Glycine residues within the Gly-Xaa-Yaa repeats of the triple helix domain are required for the structure and stability of fibrillar collagens (PMID: 7695699, 8218237, 19344236).

Labcorp Genetics (formerly Invitae), Labcorp
Classification: Likely pathogenic. Last evaluated: 2024-03-12. Review status: criteria provided, single submitter. Criteria: Invitae Variant Classification Sherloc (09022015). Collection method: clinical testing. Allele origin: germline.
Comment: This sequence change replaces glycine, which is neutral and non-polar, with arginine, which is basic and polar, at codon 1080 of the COL2A1 protein (p.Gly1080Arg). This variant is not present in population databases (gnomAD no frequency). This variant has not been reported in the literature in individuals affected with COL2A1-related conditions. ClinVar contains an entry for this variant (Variation ID: 2439350). Advanced modeling of protein sequence and biophysical properties (such as structural, functional, and spatial information, amino acid conservation, physicochemical variation, residue mobility, and thermodynamic stability) performed at Invitae indicates that this missense variant is expected to disrupt COL2A1 protein function with a positive predictive value of 95%. This variant disrupts the triple helix domain of COL2A1. Glycine residues within the Gly-Xaa-Yaa repeats of the triple helix domain are required for the structure and stability of fibrillar collagens (PMID: 7695699, 8218237, 19344236). In COL2A1, variants affecting these glycine residues are significantly enriched in individuals with disease (PMID: 9016532, 17078022) compared to the general population (ExAC). In summary, the currently available evidence indicates that the variant is pathogenic, but additional data are needed to prove that conclusively. Therefore, this variant has been classified as Likely Pathogenic.

Revvity Omics, Revvity
Classification: Likely pathogenic. Last evaluated: 2022-05-31. Review status: criteria provided, single submitter. Criteria: ACMG Guidelines, 2015. Collection method: clinical testing. Allele origin: germline.

Literature cited by the submitters: PubMed 7695699 (cited by Labcorp Genetics (formerly Invitae), Labcorp); PubMed 8218237 (cited by Labcorp Genetics (formerly Invitae), Labcorp); PubMed 19344236 (cited by Labcorp Genetics (formerly Invitae), Labcorp); PubMed 9016532 (cited by Labcorp Genetics (formerly Invitae), Labcorp); PubMed 17078022 (cited by Labcorp Genetics (formerly Invitae), Labcorp).